The following is an entry in ClinVar:

NM_000052.7(ATP7A):c.2303C>G (p.Ala768Gly)

Gene: ATP7A (ATPase copper transporting alpha; plus strand). Cytogenetic location: Xq21.1.
Variant type: single nucleotide variant.
Coding change: c.2303C>G on transcript NM_000052.7 (MANE Select); coding-DNA position 2303, C replaced by G.
Protein change: p.Ala768Gly; replaces alanine 768 with glycine.
Molecular consequence: missense variant. On other transcripts: intron variant (1).
Genome position (GRCh38, 1-based): chrX:78,013,009, C>G. VCF-style: chrX-78013009-C-G. GRCh37 (hg19) VCF-style: chrX-77268506-C-G.
Other names: c.2172+1335C>G (NM_001282224.2); short protein forms A768G.
Identifiers: ClinVar variation 4887243 (VCV004887243.1).

ClinVar aggregate classification (germline): Uncertain significance (1 of 4 stars; one submission).

gnomAD v4.1: 3 of 1,208,798 alleles (0.00025%); highest among the groups gnomAD compares: South Asian, 0.0053%; no homozygotes.

Submission:

Women's Health and Genetics/Laboratory Corporation of America, LabCorp
Classification: Uncertain significance. Last evaluated: 2026-06-15. Review status: criteria provided, single submitter. Criteria: LabCorp Variant Classification Summary - May 2015. Collection method: clinical testing. Allele origin: germline.
Comment: Variant summary: ATP7A c.2303C>G (p.Ala768Gly) results in a non-conservative amino acid change in the encoded protein sequence. Algorithms developed to predict the effect of missense changes on protein structure and function all suggest that this variant is likely to be disruptive. The variant allele was found at a frequency of 1.1e-05 in 183498 control chromosomes (gnomAD). The available data on variant occurrences in the general population are insufficient to allow any conclusion about variant significance. c.2303C>G has been observed in an individual affected with peripheral neuropathy (Antoniadi_2015). These report(s) do not provide unequivocal conclusions about association of the variant with disease. To our knowledge, no experimental evidence demonstrating an impact on protein function has been reported. The following publications have been ascertained in the context of this evaluation (PMID: 32528851, 26392352). No submitters have cited clinical-significance assessments for this variant to ClinVar. Based on the evidence outlined above, the variant was classified as uncertain significance.

Literature cited by the submitters: PubMed 26392352; PubMed 32528851.